The following is an entry in ClinVar:

NM_007325.5(GRIA3):c.1211G>C (p.Arg404Thr)

Gene: GRIA3 (glutamate ionotropic receptor AMPA type subunit 3; plus strand). Cytogenetic location: Xq25.
Variant type: single nucleotide variant.
Coding change: c.1211G>C on transcript NM_007325.5 (MANE Select); coding-DNA position 1211, G replaced by C.
Protein change: p.Arg404Thr; replaces arginine 404 with threonine.
Molecular consequence: missense variant.
Genome position (GRCh38, 1-based): chrX:123,403,437, G>C. VCF-style: chrX-123403437-G-C. GRCh37 (hg19) VCF-style: chrX-122537288-G-C.
Other names: c.1211G>C, p.Arg404Thr (NM_000828.5); short protein forms R404T.
Identifiers: ClinVar variation 3393907 (VCV003393907.1).

ClinVar aggregate classification (germline): Uncertain significance (1 of 4 stars; one submission).

gnomAD v4.1: 18 of 1,189,837 alleles (0.0015%); highest among the groups gnomAD compares: Non-Finnish European, 0.0019%; no homozygotes.

Submission:

GeneDx
Classification: Uncertain significance. Last evaluated: 2024-07-05. Review status: criteria provided, single submitter. Criteria: GeneDx Variant Classification Process June 2021. Collection method: clinical testing. Allele origin: germline. Affected: yes.
Comment: In silico analysis supports that this missense variant has a deleterious effect on protein structure/function; Has not been previously published as pathogenic or benign to our knowledge